The following is an entry in ClinVar:

ClinVar aggregate classification (germline): Likely benign (0 of 4 stars; one submission).

Conditions:
NBEA-related disorder. Also called: NBEA-related condition.

Submission:

PreventionGenetics, part of Exact Sciences
Classification: Likely benign for NBEA-related condition. Last evaluated: 2022-04-06. Review status: no assertion criteria provided. Collection method: clinical testing. Allele origin: germline.
Comment: This variant is classified as likely benign based on ACMG/AMP sequence variant interpretation guidelines (Richards et al. 2015 PMID: 25741868, with internal and published modifications).

NM_001385012.1(NBEA):c.6894A>G (p.Glu2298=)

Gene: NBEA (neurobeachin; plus strand). Cytogenetic location: 13q13.3.
Variant type: single nucleotide variant.
Coding change: c.6894A>G on transcript NM_001385012.1 (MANE Select); coding-DNA position 6894, A replaced by G.
Protein change: p.Glu2298=; no amino-acid change (glutamic acid 2298 retained).
Molecular consequence: synonymous variant.
Genome position (GRCh38, 1-based): chr13:35,555,074, A>G. VCF-style: chr13-35555074-A-G. GRCh37 (hg19) VCF-style: chr13-36129211-A-G.
Other names: c.273A>G, p.Glu91= (NM_001204197.3); c.6885A>G, p.Glu2295= (NM_001379245.1); c.6894A>G, p.Glu2298= (NM_015678.5).
Identifiers: ClinVar variation 3053456 (VCV003053456.2), dbSNP rs2079518008, ClinGen allele CA483208975.